The following is an entry in ClinVar:

ClinVar aggregate classification (germline): Uncertain significance. Review status: criteria provided, single submitter (1 of 4 stars). 4 submissions from 4 submitters: Uncertain significance (1). 3 of the submissions do not count toward it. Last evaluated 2024-09-04.

Conditions:
Leukoencephalopathy with brain stem and spinal cord involvement-high lactate syndrome (LBSL). Also called: MITOCHONDRIAL ASPARTYL-tRNA SYNTHETASE DEFICIENCY; Leukoencephalopathy with Brainstem and Spinal Cord Involvement and Lactate Elevation; LEUKOENCEPHALOPATHY WITH BRAINSTEM AND SPINAL CORD INVOLVEMENT AND LACTATE ELEVATION, MILD. Identifiers: Orphanet 137898, MedGen C1970180, MONDO:0012622, OMIM 611105.

Allele frequency attached by ClinVar (database versions not stated): ExAC 0.00001.
gnomAD v4.1: 3 of 1,613,902 alleles (0.00019%); highest among the groups gnomAD compares: Non-Finnish European, 0.00025%; no homozygotes.

Submissions (4):

Broad Center for Mendelian Genomics, Broad Institute of MIT and Harvard
Classification: Uncertain significance for Leukoencephalopathy with brain stem and spinal cord involvement-high lactate syndrome. Last evaluated: 2024-09-04. Review status: criteria provided, single submitter. Criteria: ACMG Guidelines, 2015. Collection method: curation. Allele origin: germline. Inheritance: Autosomal recessive inheritance.
Comment: The p.Glu425Ter variant in DARS2 has been reported in at least 2 individuals, in the compound heterozygous state, with leukoencephalopathy with brain stem and spinal cord involvement-high lactate syndrome (PMID: 17384640, 33977142), and has been identified in 0.0003% (3/1179944) of European (non-Finnish) chromosomes by the Genome Aggregation Database (gnomAD; dbSNP rs121918211). Although this variant has been seen in the general population in the heterozygous state, its frequency is low enough to be consistent with a recessive carrier frequency. However, this variant has only been reported in individuals while also in cis with another pathogenic variant, and therefore it is unknown whether it is disease causing in isolation. This variant has also been reported in ClinVar (Variation ID: 1065) and has been interpreted as Pathogenic by OMIM, Laboratory of Diagnostic Genome Analysis, Leiden University Medical Center (LUMC), and Joint Genome Diagnostic Labs from Nijmegen and Maastricht (Radboudumc and MUMC+). This nonsense variant leads to a premature termination codon at position 425, which is predicted to lead to a truncated or absent protein. Loss of function of the DARS2 gene is an established disease mechanism in autosomal recessive leukoencephalopathy with brain stem and spinal cord involvement-high lactate syndrome. In summary, while there is some suspicion for a pathogenic role, the clinical significance of this variant is uncertain. ACMG/AMP Criteria applied: PVS1, PM2_supporting (Richards 2015).

OMIM
Classification: Pathogenic for LEUKOENCEPHALOPATHY WITH BRAINSTEM AND SPINAL CORD INVOLVEMENT AND LACTATE ELEVATION. Last evaluated: 2007-04-01. Review status: no assertion criteria provided. Collection method: literature only. Allele origin: germline. Not counted in ClinVar's aggregate classification.

Joint Genome Diagnostic Labs from Nijmegen and Maastricht, Radboudumc and MUMC+
Classification: Pathogenic. Review status: no assertion criteria provided. Collection method: clinical testing. Allele origin: germline. Affected: yes. Study: VKGL Data-share Consensus. Not counted in ClinVar's aggregate classification.

Laboratory of Diagnostic Genome Analysis, Leiden University Medical Center (LUMC)
Classification: Pathogenic. Review status: no assertion criteria provided. Collection method: clinical testing. Allele origin: germline. Affected: yes. Study: VKGL Data-share Consensus. Not counted in ClinVar's aggregate classification.

Literature cited by the submitters: PubMed 17384640 (cited by Broad Center for Mendelian Genomics, Broad Institute of MIT and Harvard and OMIM); PubMed 33977142 (cited by Broad Center for Mendelian Genomics, Broad Institute of MIT and Harvard).

NM_018122.5(DARS2):c.1273G>T (p.Glu425Ter)

Gene: DARS2 (aspartyl-tRNA synthetase 2, mitochondrial; plus strand). Cytogenetic location: 1q25.1.
Variant type: single nucleotide variant.
Coding change: c.1273G>T on transcript NM_018122.5 (MANE Select); coding-DNA position 1273, G replaced by T.
Protein change: p.Glu425Ter; replaces glutamic acid 425 with a stop codon.
Molecular consequence: nonsense. On other transcripts: intron variant (1).
Genome position (GRCh38, 1-based): chr1:173,850,408, G>T. VCF-style: chr1-173850408-G-T. GRCh37 (hg19) VCF-style: chr1-173819546-G-T.
Other names: c.1273G>T, p.Glu425Ter (NM_001365213.2); c.1192-2941G>T (NM_001365212.1); short protein forms E425*.
Identifiers: ClinVar variation 1065 (VCV000001065.5), dbSNP rs121918211, ClinGen allele CA251682.